The following is an entry in ClinVar:

NM_177438.3(DICER1):c.3529G>A (p.Gly1177Ser)

Gene: DICER1 (dicer 1, ribonuclease III; minus strand). Cytogenetic location: 14q32.13.
Variant type: single nucleotide variant.
Coding change: c.3529G>A on transcript NM_177438.3 (MANE Select); coding-DNA position 3529, G replaced by A.
Protein change: p.Gly1177Ser; replaces glycine 1177 with serine.
Molecular consequence: missense variant.
Genome position (GRCh38, 1-based): chr14:95,103,867, C>T on the plus strand (G>A on the coding strand, the complement: DICER1 is on the minus strand). VCF-style: chr14-95103867-C-T. GRCh37 (hg19) VCF-style: chr14-95570204-C-T.
Other names: c.3529G>A, p.Gly1177Ser (NM_001195573.1, NM_001271282.3, NM_001291628.2 and 1 more transcripts); short protein forms G1177S.
Identifiers: ClinVar variation 823886 (VCV000823886.15), dbSNP rs1486689185, ClinGen allele CA390875054.

ClinVar aggregate classification (germline): Uncertain significance. Review status: criteria provided, multiple submitters, no conflicts (2 of 4 stars). 2 submissions from 2 submitters: Uncertain significance (2). Last evaluated 2025-03-31.

Conditions:
Hereditary cancer-predisposing syndrome. Also called: Neoplastic Syndromes, Hereditary; Hereditary Cancer Syndrome; Hereditary neoplastic syndrome; Tumor predisposition. Identifiers: Orphanet 140162, MedGen C0027672, MeSH D009386, MONDO:0015356.
DICER1-related tumor predisposition. Also called: DICER1-related pleuropulmonary blastoma cancer predisposition syndrome; DICER1 syndrome. Identifiers: Orphanet 284343, MedGen C3839822, MONDO:0100216.

Submissions (2):

Labcorp Genetics (formerly Invitae), Labcorp
Classification: Uncertain significance for DICER1-related tumor predisposition. Last evaluated: 2025-03-31. Review status: criteria provided, single submitter. Criteria: Invitae Variant Classification Sherloc (09022015). Collection method: clinical testing. Allele origin: germline.
Comment: This sequence change replaces glycine, which is neutral and non-polar, with serine, which is neutral and polar, at codon 1177 of the DICER1 protein (p.Gly1177Ser). This variant is not present in population databases (gnomAD no frequency). This variant has not been reported in the literature in individuals affected with DICER1-related conditions. ClinVar contains an entry for this variant (Variation ID: 823886). Invitae Evidence Modeling of protein sequence and biophysical properties (such as structural, functional, and spatial information, amino acid conservation, physicochemical variation, residue mobility, and thermodynamic stability) indicates that this missense variant is not expected to disrupt DICER1 protein function with a negative predictive value of 95%. In summary, the available evidence is currently insufficient to determine the role of this variant in disease. Therefore, it has been classified as a Variant of Uncertain Significance.

Ambry Genetics
Classification: Uncertain significance for Hereditary cancer-predisposing syndrome. Last evaluated: 2018-12-24. Review status: criteria provided, single submitter. Criteria: Ambry Variant Classification Scheme 2023. Collection method: clinical testing. Allele origin: germline.
Comment: The p.G1177S variant (also known as c.3529G>A), located in coding exon 20 of the DICER1 gene, results from a G to A substitution at nucleotide position 3529. The glycine at codon 1177 is replaced by serine, an amino acid with similar properties. This amino acid position is highly conserved in available vertebrate species. In addition, this alteration is predicted to be deleterious by in silico analysis. Since supporting evidence is limited at this time, the clinical significance of this alteration remains unclear.